The following is an entry in ClinVar:

NM_000287.4(PEX6):c.*319C>T

Gene: PEX6 (peroxisomal biogenesis factor 6; minus strand). Cytogenetic location: 6p21.1.
Variant type: single nucleotide variant.
Coding change: c.*319C>T on transcript NM_000287.4 (MANE Select); 319 bases downstream of the stop codon, C replaced by T.
Molecular consequence: 3 prime UTR variant. On other transcripts: non-coding transcript variant (1).
Genome position (GRCh38, 1-based): chr6:42,964,016, G>A on the plus strand (C>T on the coding strand, the complement: PEX6 is on the minus strand). VCF-style: chr6-42964016-G-A. GRCh37 (hg19) VCF-style: chr6-42931754-G-A.
Other names: c.*319C>T (NM_001316313.2).
Identifiers: ClinVar variation 356789 (VCV000356789.8), dbSNP rs736158, ClinGen allele CA10622114.

ClinVar aggregate classification (germline): Benign. Review status: criteria provided, multiple submitters, no conflicts (2 of 4 stars). 2 submissions from 2 submitters: Benign (2). Last evaluated 2018-10-17.

Conditions:
Peroxisome biogenesis disorder 4A (Zellweger) (PBD4A). Also called: Zellweger syndrome spectrum (PEX6-related). Identifiers: Orphanet 912, MedGen C3553936, MONDO:0013930, OMIM 614862. Disease mechanism: loss of function.

Allele frequency attached by ClinVar (database versions not stated): gnomAD 0.06143 and 0.06610; gnomAD exomes 0.06996; TOPMed 0.07222; 1000 Genomes Project 30x 0.10728; 1000 Genomes Project 0.10982.
gnomAD v4.1: 38,585 of 558,780 alleles (6.9%); highest among the groups gnomAD compares: Admixed American, 17%; 2,054 homozygotes.

Submissions (2):

GeneDx
Classification: Benign. Last evaluated: 2018-10-17. Review status: criteria provided, single submitter. Criteria: GeneDx Variant Classification Process June 2021. Collection method: clinical testing. Allele origin: germline. Affected: yes.

Illumina Laboratory Services, Illumina
Classification: Benign for Peroxisome biogenesis disorder 4A (Zellweger). Last evaluated: 2018-01-13. Review status: criteria provided, single submitter. Criteria: ICSL Variant Classification Criteria 13 December 2019. Collection method: clinical testing. Allele origin: germline.
Comment: This variant was observed in the ICSL laboratory as part of a predisposition screen in an ostensibly healthy population. It had not been previously curated by ICSL or reported in the Human Gene Mutation Database (HGMD: prior to June 1st, 2018), and was therefore a candidate for classification through an automated scoring system. Utilizing variant allele frequency, disease prevalence and penetrance estimates, and inheritance mode, an automated score was calculated to assess if this variant is too frequent to cause the disease. Based on the score and internal cut-off values, a variant classified as benign is not then subjected to further curation. The score for this variant resulted in a classification of benign for this disease.